The following is an entry in ClinVar:

NM_001366057.1(OTUD4):c.2649C>G (p.Pro883=)

Gene: OTUD4 (OTU deubiquitinase 4; minus strand). Cytogenetic location: 4q31.21.
Variant type: single nucleotide variant.
Coding change: c.2649C>G on transcript NM_001366057.1 (MANE Select); coding-DNA position 2649, C replaced by G.
Protein change: p.Pro883=; no amino-acid change (proline 883 retained).
Molecular consequence: synonymous variant.
Genome position (GRCh38, 1-based): chr4:145,138,126, G>C on the plus strand (C>G on the coding strand, the complement: OTUD4 is on the minus strand). VCF-style: chr4-145138126-G-C. GRCh37 (hg19) VCF-style: chr4-146059278-G-C.
Other names: c.2454C>G, p.Pro818= (NM_001102653.1).
Identifiers: ClinVar variation 2655110 (VCV002655110.24), dbSNP rs2529993632, ClinGen allele CA441716549.
Genomic context (GRCh38, chr4:145,138,126, plus strand): 5'-ACAATCTTTAGACAGATCCAGATTTTCCAGAGACAGATCCAATTCTCCTTTTTCATCAGA[G>C]GGCAGGACAATATTCTGCCTCATTACTGGATTTTCTATGAATCCCTGAAAAGGGTACCCA-3'
Protein context (NP_001352986.1, residues 873-893): NPVMRQNIVL[Pro883=]SDEKGELDLS

ClinVar aggregate classification (germline): Likely benign (1 of 4 stars; one submission).

Submission:

CeGaT Center for Human Genetics Tuebingen
Classification: Likely benign. Last evaluated: 2023-03-01. Review status: criteria provided, single submitter. Criteria: CeGaT Center For Human Genetics Tuebingen Variant Classification Criteria Version 2. Collection method: clinical testing. Allele origin: germline. Affected: yes. Observed: 1 variant allele.
Comment: OTUD4: PM2:Supporting, BP4, BP7